The following is an entry in ClinVar:

ClinVar aggregate classification (germline): Uncertain significance (1 of 4 stars; one submission).

Conditions:
Hereditary cancer-predisposing syndrome. Also called: Neoplastic Syndromes, Hereditary; Tumor predisposition; Hereditary neoplastic syndrome; Hereditary Cancer Syndrome. Identifiers: Orphanet 140162, MedGen C0027672, MeSH D009386, MONDO:0015356.

Submission:

Ambry Genetics
Classification: Uncertain significance for Hereditary cancer-predisposing syndrome. Last evaluated: 2026-07-06. Review status: criteria provided, single submitter. Criteria: Ambry Variant Classification Scheme 2023. Collection method: clinical testing. Allele origin: germline.
Comment: The p.L104P variant (also known as c.311T>C), located in coding exon 3 of the SDHAF2 gene, results from a T to C substitution at nucleotide position 311. The leucine at codon 104 is replaced by proline, an amino acid with similar properties. This amino acid position is conserved. In addition, this alteration is predicted to be deleterious by in silico analysis. Based on the available evidence, the clinical significance of this variant remains unclear.

NM_017841.4(SDHAF2):c.311T>C (p.Leu104Pro)

Gene: SDHAF2 (succinate dehydrogenase complex assembly factor 2; plus strand). Cytogenetic location: 11q12.2.
Variant type: single nucleotide variant.
Coding change: c.311T>C on transcript NM_017841.4 (MANE Select); coding-DNA position 311, T replaced by C.
Protein change: p.Leu104Pro; replaces leucine 104 with proline.
Molecular consequence: missense variant.
Genome position (GRCh38, 1-based): chr11:61,438,054, T>C. VCF-style: chr11-61438054-T-C. GRCh37 (hg19) VCF-style: chr11-61205526-T-C.
Other names: short protein forms L104P.
Identifiers: ClinVar variation 5029225 (VCV005029225.1).